The following is an entry in ClinVar:

NM_144643.4(SCLT1):c.935_939del (p.Thr312fs)

Gene: SCLT1 (sodium channel and clathrin linker 1; minus strand). Cytogenetic location: 4q28.2.
Variant type: Deletion.
Coding change: c.935_939del on transcript NM_144643.4 (MANE Select); coding-DNA positions 935 to 939, 5 bases deleted (CCAGA; older notation c.935_939delCCAGA).
Protein change: p.Thr312fs; shifts the reading frame from threonine 312.
Molecular consequence: frameshift variant.
Genome position (GRCh38, 1-based): chr4:128,959,708-128,959,712, TCTGG deleted on the plus strand (CCAGA on the coding strand, the reverse complement: SCLT1 is on the minus strand); deleting any 5 consecutive bases within chr4:128,959,708-128,959,716 gives the same sequence; the c. name uses the placement nearest the transcript's 3' end. VCF-style (leftmost placement, unchanged base first): chr4-128959707-CTCTGG-C. GRCh37 (hg19) VCF-style: chr4-129880862-CTCTGG-C.
Other names: c.931_935delCAGAC, p.Thr312Argfs (NM_001410807.1); short protein forms T312fs.
Identifiers: ClinVar variation 2130017 (VCV002130017.4), dbSNP rs2530449928, ClinGen allele CA2580071525.

ClinVar aggregate classification (germline): Pathogenic (1 of 4 stars; one submission).

Submission:

Labcorp Genetics (formerly Invitae), Labcorp
Classification: Pathogenic. Last evaluated: 2022-05-05. Review status: criteria provided, single submitter. Criteria: Invitae Variant Classification Sherloc (09022015). Collection method: clinical testing. Allele origin: germline.
Comment: For these reasons, this variant has been classified as Pathogenic. This variant has not been reported in the literature in individuals affected with SCLT1-related conditions. This variant is not present in population databases (gnomAD no frequency). This sequence change creates a premature translational stop signal (p.Thr312Argfs*8) in the SCLT1 gene. It is expected to result in an absent or disrupted protein product. Loss-of-function variants in SCLT1 are known to be pathogenic (PMID: 28005958).

Literature cited by the submitters: PubMed 28005958.